The following is an entry in ClinVar:

ClinVar aggregate classification (germline): Uncertain significance (1 of 4 stars; one submission).

Submission:

Labcorp Genetics (formerly Invitae), Labcorp
Classification: Uncertain significance. Last evaluated: 2021-02-04. Review status: criteria provided, single submitter. Criteria: Invitae Variant Classification Sherloc (09022015). Collection method: clinical testing. Allele origin: germline.
Comment: In summary, the available evidence is currently insufficient to determine the role of this variant in disease. Therefore, it has been classified as a Variant of Uncertain Significance. Nucleotide substitutions within the consensus splice site are a relatively common cause of aberrant splicing (PMID: 17576681, 9536098). Algorithms developed to predict the effect of sequence changes on RNA splicing suggest that this variant may disrupt the consensus splice site, but this prediction has not been confirmed by published transcriptional studies. This variant has not been reported in the literature in individuals with ACSL4-related conditions. This variant is not present in population databases (ExAC no frequency). This sequence change falls in intron 4 of the ACSL4 gene. It does not directly change the encoded amino acid sequence of the ACSL4 protein. It affects a nucleotide within the consensus splice site of the intron.

Literature cited by the submitters: PubMed 17576681; PubMed 9536098.

NM_001318510.2(ACSL4):c.406+2dup

Gene: ACSL4 (acyl-CoA synthetase long chain family member 4; minus strand). Cytogenetic location: Xq23.
Variant type: Duplication.
Coding change: c.406+2dup on transcript NM_001318510.2 (MANE Select); the canonical splice donor site of the intron after coding-DNA position 406, one base duplicated (T; older notation c.406+2dupT).
Molecular consequence: splice donor variant.
Genome position (GRCh38, 1-based): chrX:109,682,717, A duplicated on the plus strand (T on the coding strand, the reverse complement: ACSL4 is on the minus strand). VCF-style (leftmost placement, unchanged base first): chrX-109682716-T-TA. GRCh37 (hg19) VCF-style: chrX-108925945-T-TA.
Other names: c.406+2dup (NM_004458.3); c.529+2dup (NM_001318509.2, NM_022977.3).
Identifiers: ClinVar variation 1432673 (VCV001432673.6), dbSNP rs2147448006, ClinGen allele CA2573159134.